The following is an entry in ClinVar:

ClinVar aggregate classification (germline): Uncertain significance (1 of 4 stars; one submission).

Conditions:
Periodic fever-infantile enterocolitis-autoinflammatory syndrome. Also called: Autoinflammation with infantile enterocolitis. Identifiers: Orphanet 436166, MedGen C4015067, MONDO:0014472, OMIM 616050.
Familial cold autoinflammatory syndrome 4 (FCAS4). Identifiers: Orphanet 47045, Orphanet 576349, MedGen C4015276, MONDO:0014498, OMIM 616115.

Submission:

Labcorp Genetics (formerly Invitae), Labcorp
Classification: Uncertain significance for Periodic fever-infantile enterocolitis-autoinflammatory syndrome; Familial cold autoinflammatory syndrome 4. Last evaluated: 2023-11-24. Review status: criteria provided, single submitter. Criteria: Invitae Variant Classification Sherloc (09022015). Collection method: clinical testing. Allele origin: germline.
Comment: This sequence change replaces glycine, which is neutral and non-polar, with serine, which is neutral and polar, at codon 249 of the NLRC4 protein (p.Gly249Ser). This variant is not present in population databases (gnomAD no frequency). This variant has not been reported in the literature in individuals affected with NLRC4-related conditions. Advanced modeling of protein sequence and biophysical properties (such as structural, functional, and spatial information, amino acid conservation, physicochemical variation, residue mobility, and thermodynamic stability) performed at Invitae indicates that this missense variant is expected to disrupt NLRC4 protein function with a positive predictive value of 80%. In summary, the available evidence is currently insufficient to determine the role of this variant in disease. Therefore, it has been classified as a Variant of Uncertain Significance.

NM_001199138.2(NLRC4):c.745G>A (p.Gly249Ser)

Gene: NLRC4 (NLR family CARD domain containing 4; minus strand). Cytogenetic location: 2p22.3.
Variant type: single nucleotide variant.
Coding change: c.745G>A on transcript NM_001199138.2 (MANE Select); coding-DNA position 745, G replaced by A.
Protein change: p.Gly249Ser; replaces glycine 249 with serine.
Molecular consequence: missense variant. On other transcripts: intron variant (1).
Genome position (GRCh38, 1-based): chr2:32,251,119, C>T on the plus strand (G>A on the coding strand, the complement: NLRC4 is on the minus strand). VCF-style: chr2-32251119-C-T. GRCh37 (hg19) VCF-style: chr2-32476188-C-T.
Other names: c.745G>A, p.Gly249Ser (NM_001199139.2, NM_021209.5); c.262+1300G>A (NM_001302504.1); short protein forms G249S.
Identifiers: ClinVar variation 2954171 (VCV002954171.3), dbSNP rs2466762450, ClinGen allele CA346514492.
Genomic context (GRCh38, chr2:32,251,119, plus strand): 5'-GGTTTTCCTTTATCAGGGCTTCGATTTCTGGGCAGTTCTGGGGCTTGAATTCATTGTAGC[C>T]ATCAAGAAGGAAAAGAACCCTCTGCCGCAGCTTCAGCAGCATGGCCATGAATGTCTGCTT-3'
Protein context (NP_001186067.1, residues 239-259): LRQRVLFLLD[Gly249Ser]YNEFKPQNCP